The following is an entry in ClinVar:

NM_016312.3(WBP11):c.601G>A (p.Gly201Ser)

Gene: WBP11 (WW domain binding protein 11; minus strand). Cytogenetic location: 12p12.3.
Variant type: single nucleotide variant.
Coding change: c.601G>A on transcript NM_016312.3 (MANE Select); coding-DNA position 601, G replaced by A.
Protein change: p.Gly201Ser; replaces glycine 201 with serine.
Molecular consequence: missense variant.
Genome position (GRCh38, 1-based): chr12:14,794,657, C>T on the plus strand (G>A on the coding strand, the complement: WBP11 is on the minus strand). VCF-style: chr12-14794657-C-T. GRCh37 (hg19) VCF-style: chr12-14947591-C-T.
Other names: short protein forms G201S.
Identifiers: ClinVar variation 3774904 (VCV003774904.1).

ClinVar aggregate classification (germline): Uncertain significance (1 of 4 stars; one submission).

Submission:

GeneDx
Classification: Uncertain significance. Last evaluated: 2024-09-28. Review status: criteria provided, single submitter. Criteria: GeneDx Variant Classification Process June 2021. Collection method: clinical testing. Allele origin: germline. Affected: yes.
Comment: Not observed at significant frequency in large population cohorts (gnomAD); In silico analysis supports that this missense variant has a deleterious effect on protein structure/function; Has not been previously published as pathogenic or benign to our knowledge